The following is an entry in ClinVar:

NM_001354640.2(CIROP):c.1058C>T (p.Thr353Ile)

Gene: CIROP (ciliated left-right organizer metallopeptidase; minus strand). Cytogenetic location: 14q11.2.
Variant type: single nucleotide variant.
Coding change: c.1058C>T on transcript NM_001354640.2 (MANE Select); coding-DNA position 1058, C replaced by T.
Protein change: p.Thr353Ile; replaces threonine 353 with isoleucine.
Molecular consequence: missense variant.
Genome position (GRCh38, 1-based): chr14:23,102,420, G>A on the plus strand (C>T on the coding strand, the complement: CIROP is on the minus strand). VCF-style: chr14-23102420-G-A. GRCh37 (hg19) VCF-style: chr14-23571629-G-A.
Other names: c.893C>T, p.Thr298Ile (NM_001402427.1); short protein forms T298I, T353I.
Identifiers: ClinVar variation 5008300 (VCV005008300.1).
Genomic context (GRCh38, chr14:23,102,420, plus strand): 5'-ACACCCAGGGAAGCCCCCGACACTCCCAAGTGTTTGGCCAGGCTGAGGCTAACAGCTGGG[G>A]TGGTGAGAAGCAGTTGTCCCCACTCATCTTGCCTTGTCACTAGTTGCCTTGTAGAACAGT-3'
Protein context (NP_001341569.1, residues 343-363): QDEWGQLLLT[Thr353Ile]PAVSLSLAKH

ClinVar aggregate classification (germline): Uncertain significance (1 of 4 stars; one submission).

Submission:

GeneDx
Classification: Uncertain significance. Last evaluated: 2026-02-12. Review status: criteria provided, single submitter. Criteria: GeneDx Variant Classification Process June 2021. Collection method: clinical testing. Allele origin: germline.
Comment: Not observed at significant frequency in large population cohorts (gnomAD); Has not been previously published as pathogenic or benign to our knowledge; In silico analysis does not support a benign or deleterious effect of this variant on protein structure/function